The following is an entry in ClinVar:

NM_000179.3(MSH6):c.3403C>G (p.Pro1135Ala)

Gene: MSH6 (mutS homolog 6; plus strand). Cytogenetic location: 2p16.3.
Variant type: single nucleotide variant.
Coding change: c.3403C>G on transcript NM_000179.3 (MANE Select); coding-DNA position 3403, C replaced by G.
Protein change: p.Pro1135Ala; replaces proline 1135 with alanine.
Molecular consequence: missense variant.
Genome position (GRCh38, 1-based): chr2:47,803,650, C>G. VCF-style: chr2-47803650-C-G. GRCh37 (hg19) VCF-style: chr2-48030789-C-G.
Other names: c.3013C>G, p.Pro1005Ala (NM_001281492.2); c.2497C>G, p.Pro833Ala (NM_001281493.2, NM_001281494.2); short protein forms P1135A, P833A, P1005A.
Identifiers: ClinVar variation 490001 (VCV000490001.13), dbSNP rs1553331733, ClinGen allele CA346758880.

ClinVar aggregate classification (germline): Uncertain significance. Review status: criteria provided, multiple submitters, no conflicts (2 of 4 stars). 2 submissions from 2 submitters: Uncertain significance (2). Last evaluated 2025-06-20.

Conditions:
Hereditary cancer-predisposing syndrome. Also called: Hereditary Cancer Syndrome; Neoplastic Syndromes, Hereditary; Tumor predisposition; Hereditary neoplastic syndrome. Identifiers: Orphanet 140162, MedGen C0027672, MeSH D009386, MONDO:0015356.
Hereditary nonpolyposis colorectal neoplasms. Identifiers: MedGen C0009405, MeSH D003123.

Submissions (2):

Labcorp Genetics (formerly Invitae), Labcorp
Classification: Uncertain significance for Hereditary nonpolyposis colorectal neoplasms. Last evaluated: 2025-06-20. Review status: criteria provided, single submitter. Criteria: Invitae Variant Classification Sherloc (09022015). Collection method: clinical testing. Allele origin: germline.
Comment: This sequence change replaces proline, which is neutral and non-polar, with alanine, which is neutral and non-polar, at codon 1135 of the MSH6 protein (p.Pro1135Ala). This variant is not present in population databases (gnomAD no frequency). This variant has not been reported in the literature in individuals affected with MSH6-related conditions. ClinVar contains an entry for this variant (Variation ID: 490001). Invitae Evidence Modeling of protein sequence and biophysical properties (such as structural, functional, and spatial information, amino acid conservation, physicochemical variation, residue mobility, and thermodynamic stability) has been performed for this missense variant. However, the output from this modeling did not meet the statistical confidence thresholds required to predict the impact of this variant on MSH6 protein function. In summary, the available evidence is currently insufficient to determine the role of this variant in disease. Therefore, it has been classified as a Variant of Uncertain Significance.

Color Diagnostics, LLC DBA Color Health
Classification: Uncertain significance for Hereditary cancer-predisposing syndrome. Last evaluated: 2023-12-05. Review status: criteria provided, single submitter. Criteria: ACMG Guidelines, 2015. Collection method: clinical testing. Allele origin: germline.
Comment: This missense variant replaces proline with alanine at codon 1135 of the MSH6 protein. Computational prediction suggests that this variant may have deleterious impact on protein structure and function (internally defined REVEL score threshold >= 0.7, PMID: 27666373). To our knowledge, functional studies have not been reported for this variant. This variant has not been reported in individuals affected with MSH6-related disorders in the literature. This variant has not been identified in the general population by the Genome Aggregation Database (gnomAD). The available evidence is insufficient to determine the role of this variant in disease conclusively. Therefore, this variant is classified as a Variant of Uncertain Significance.